The following is an entry in ClinVar:

NM_002667.5(PLN):c.35dup (p.Arg13fs)

Genes: PLN (phospholamban; plus strand), CEP85L (centrosomal protein 85 like; minus strand). Cytogenetic location: 6q22.31.
Variant type: Duplication.
Coding change: c.35dup on transcript NM_002667.5 (MANE Select); coding-DNA position 35, one base duplicated (T; older notation c.35dupT).
Protein change: p.Arg13fs; shifts the reading frame from arginine 13.
Molecular consequence: frameshift variant. On other transcripts: intron variant (3).
Genome position (GRCh38, 1-based): chr6:118,558,956, T duplicated. VCF-style (leftmost placement, unchanged base first): chr6-118558955-A-AT. GRCh37 (hg19) VCF-style: chr6-118880118-A-AT.
Other names: c.35dupT (NM_002667.3); c.1029+6573dup (NM_001178035.2); c.1020+6573dup (NM_001042475.3, NM_206921.3); short protein forms R13fs.
Identifiers: ClinVar variation 1733072 (VCV001733072.2), dbSNP rs2534332653, ClinGen allele CA2580074817.

ClinVar aggregate classification (germline): Uncertain significance (1 of 4 stars; one submission).

Conditions:
Cardiovascular phenotype. Identifiers: MedGen CN230736.

Submission:

Ambry Genetics
Classification: Uncertain significance for Cardiovascular phenotype. Last evaluated: 2021-04-14. Review status: criteria provided, single submitter. Criteria: Ambry Variant Classification Scheme 2023. Collection method: clinical testing. Allele origin: germline.
Comment: The c.35dupT variant, located in coding exon 1 of the PLN gene, results from a duplication of T at nucleotide position 35, causing a translational frameshift with a predicted alternate stop codon (p.R13Kfs*7). A similar alteration, c.37dupA (p.R13Kfs*7) was reported in an individual with dilated cardiomyopathy (DCM); however, clinical details were limited (Pugh TJ et al. Genet Med, 2014 Aug;16:601-8). This alteration is expected to result in loss of function by premature protein truncation or nonsense-mediated mRNA decay. However, loss of function of PLN has not been clearly established as a mechanism of disease. A nonsense alteration, p.L39*, has been reported in association with dilated cardiomyopathy and hypertrophic cardiomyopathy with variable expression and reduced penetrance (Haghighi K et al. J Clin Invest. 2003;111(6):869-76; Chiu C et al. J Mol Cell Cardiol. 2007;43(3):337-43; Landstrom AP et al. Am Heart J. 2011;161(1):165-71); however, no clear function of the p.L39* was demonstrated. Since supporting evidence is limited at this time, the clinical significance of this alteration remains unclear

Literature cited by the submitters: PubMed 24503780.